The following is an entry in ClinVar:

NM_014946.4(SPAST):c.1173_1173+1insT

Gene: SPAST (spastin; plus strand). Cytogenetic location: 2p22.3.
Variant type: Insertion.
Coding change: c.1173_1173+1insT on transcript NM_014946.4 (MANE Select); coding-DNA position 1173 through the canonical splice donor site of the intron after coding-DNA position 1173, T inserted.
Molecular consequence: splice donor variant.
Genome position: GRCh38 VCF-style: chr2-32127022-G-GT. GRCh37 (hg19) VCF-style: chr2-32352091-G-GT.
Other names: c.1077_1077+1insT (NM_199436.2, NM_001377959.1); c.1170_1170+1insT (NM_001363823.2); c.1074_1074+1insT (NM_001363875.2).
Identifiers: ClinVar variation 3657627 (VCV003657627.2).

ClinVar aggregate classification (germline): Pathogenic (1 of 4 stars; one submission).

Conditions:
Hereditary spastic paraplegia 4. Also called: Spastic paraplegia 4, autosomal dominant; Spastic Paraplegia 4; Familial spastic paraplegia autosomal dominant 2. Identifiers: Orphanet 100985, MedGen C1866855, MONDO:0008438, OMIM 182601.

Submission:

Labcorp Genetics (formerly Invitae), Labcorp
Classification: Pathogenic for Hereditary spastic paraplegia 4. Last evaluated: 2024-08-19. Review status: criteria provided, single submitter. Criteria: Invitae Variant Classification Sherloc (09022015). Collection method: clinical testing. Allele origin: germline.
Comment: This sequence change creates a premature translational stop signal (p.Ala392Cysfs*2) in the SPAST gene. It is expected to result in an absent or disrupted protein product. Loss-of-function variants in SPAST are known to be pathogenic (PMID: 20932283). This variant is not present in population databases (gnomAD no frequency). This variant has not been reported in the literature in individuals affected with SPAST-related conditions. Algorithms developed to predict the effect of sequence changes on RNA splicing suggest that this variant may disrupt the consensus splice site. For these reasons, this variant has been classified as Pathogenic.

Literature cited by the submitters: PubMed 20932283.